The following is an entry in ClinVar:

NM_005430.4(WNT1):c.932C>T (p.Ala311Val)

Gene: WNT1 (Wnt family member 1; plus strand). Cytogenetic location: 12q13.12.
Variant type: single nucleotide variant.
Coding change: c.932C>T on transcript NM_005430.4 (MANE Select); coding-DNA position 932, C replaced by T.
Protein change: p.Ala311Val; replaces alanine 311 with valine.
Molecular consequence: missense variant.
Genome position (GRCh38, 1-based): chr12:48,981,459, C>T. VCF-style: chr12-48981459-C-T. GRCh37 (hg19) VCF-style: chr12-49375242-C-T.
Other names: short protein forms A311V.
Identifiers: ClinVar variation 3712212 (VCV003712212.2).
Genomic context (GRCh38, chr12:48,981,459, plus strand): 5'-ACTTCGAGAAATCGCCCAACTTCTGCACGTACAGCGGACGCCTGGGCACAGCAGGCACGG[C>T]AGGGCGCGCCTGTAACAGCTCGTCGCCCGCGCTGGACGGCTGCGAGCTGCTCTGCTGCGG-3'
Protein context (NP_005421.1, residues 301-321): YSGRLGTAGT[Ala311Val]GRACNSSSPA

ClinVar aggregate classification (germline): Uncertain significance (1 of 4 stars; one submission).

Submission:

Labcorp Genetics (formerly Invitae), Labcorp
Classification: Uncertain significance. Last evaluated: 2025-01-19. Review status: criteria provided, single submitter. Criteria: Invitae Variant Classification Sherloc (09022015). Collection method: clinical testing. Allele origin: germline.
Comment: This sequence change replaces alanine, which is neutral and non-polar, with valine, which is neutral and non-polar, at codon 311 of the WNT1 protein (p.Ala311Val). This variant is not present in population databases (gnomAD no frequency). This missense change has been observed in individual(s) with WNT1-related conditions (internal data). Invitae Evidence Modeling of protein sequence and biophysical properties (such as structural, functional, and spatial information, amino acid conservation, physicochemical variation, residue mobility, and thermodynamic stability) indicates that this missense variant is not expected to disrupt WNT1 protein function with a negative predictive value of 80%. In summary, the available evidence is currently insufficient to determine the role of this variant in disease. Therefore, it has been classified as a Variant of Uncertain Significance.